The following is an entry in ClinVar:

ClinVar aggregate classification (germline): Uncertain significance. Review status: criteria provided, single submitter (1 of 4 stars). 2 submissions from 2 submitters: Uncertain significance (1). 1 of the submissions does not count toward it. Last evaluated 2021-09-01.

Conditions:
Ciliary dyskinesia, primary, 37 (CILD37). Also called: CILIARY DYSKINESIA, PRIMARY, 37, WITH OR WITHOUT SITUS INVERSUS. Identifiers: MedGen C4539798, MONDO:0033204, OMIM 617577.
Spermatogenic failure 18. Identifiers: MedGen C4539783, MONDO:0054615, OMIM 617576.
DNAH1-related disorder. Also called: DNAH1-related condition.

Allele frequency attached by ClinVar (database versions not stated): TOPMed 0.00001; gnomAD exomes 0.00004.
gnomAD v4.1: 11 of 1,602,006 alleles (0.00069%); highest among the groups gnomAD compares: Admixed American, 0.019%; no homozygotes.

Submissions (2):

Labcorp Genetics (formerly Invitae), Labcorp
Classification: Uncertain significance for Ciliary dyskinesia, primary, 37; Spermatogenic failure 18. Last evaluated: 2021-09-01. Review status: criteria provided, single submitter. Criteria: Invitae Variant Classification Sherloc (09022015). Collection method: clinical testing. Allele origin: germline.
Comment: This sequence change replaces valine with leucine at codon 3591 of the DNAH1 protein (p.Val3591Leu). The valine residue is moderately conserved and there is a small physicochemical difference between valine and leucine. This variant is present in population databases (rs755963386, ExAC 0.03%). This variant has not been reported in the literature in individuals affected with DNAH1-related conditions. Algorithms developed to predict the effect of missense changes on protein structure and function (SIFT, PolyPhen-2, Align-GVGD) all suggest that this variant is likely to be tolerated. In summary, the available evidence is currently insufficient to determine the role of this variant in disease. Therefore, it has been classified as a Variant of Uncertain Significance.

PreventionGenetics, part of Exact Sciences
Classification: Uncertain significance for DNAH1-related condition. Last evaluated: 2024-05-25. Review status: no assertion criteria provided. Collection method: clinical testing. Allele origin: germline. Not counted in ClinVar's aggregate classification.
Comment: The DNAH1 c.10771G>C variant is predicted to result in the amino acid substitution p.Val3591Leu. To our knowledge, this variant has not been reported in the literature. This variant is reported in 0.027% of alleles in individuals of Latino descent in gnomAD. At this time, the clinical significance of this variant is uncertain due to the absence of conclusive functional and genetic evidence.

NM_015512.5(DNAH1):c.10771G>C (p.Val3591Leu)

Gene: DNAH1 (dynein axonemal heavy chain 1; plus strand). Cytogenetic location: 3p21.1.
Variant type: single nucleotide variant.
Coding change: c.10771G>C on transcript NM_015512.5 (MANE Select); coding-DNA position 10771, G replaced by C.
Protein change: p.Val3591Leu; replaces valine 3591 with leucine.
Molecular consequence: missense variant.
Genome position (GRCh38, 1-based): chr3:52,394,609, G>C. VCF-style: chr3-52394609-G-C. GRCh37 (hg19) VCF-style: chr3-52428625-G-C.
Other names: short protein forms V3591L.
Identifiers: ClinVar variation 544599 (VCV000544599.6), dbSNP rs755963386, ClinGen allele CA2435943.